The following is an entry in ClinVar:

NM_000256.3(MYBPC3):c.446C>A (p.Ala149Asp)

Gene: MYBPC3 (myosin binding protein C3; minus strand). Cytogenetic location: 11p11.2.
Variant type: single nucleotide variant.
Coding change: c.446C>A on transcript NM_000256.3 (MANE Select); coding-DNA position 446, C replaced by A.
Protein change: p.Ala149Asp; replaces alanine 149 with aspartic acid.
Molecular consequence: missense variant.
Genome position (GRCh38, 1-based): chr11:47,350,073, G>T on the plus strand (C>A on the coding strand, the complement: MYBPC3 is on the minus strand). VCF-style: chr11-47350073-G-T. GRCh37 (hg19) VCF-style: chr11-47371624-G-T.
Other names: short protein forms A149D.
Identifiers: ClinVar variation 1460702 (VCV001460702.9), dbSNP rs779493486, ClinGen allele CA055418.
Genomic context (GRCh38, chr11:47,350,073, plus strand): 5'-CCCACGGTCACCTCGCCATCCTGTGGCCGCATCACGAAGAGGCCAATGGGGTCATCGGGG[G>T]CTCCAGGGGTAGGACCATTGAGAGCTGCTGAGCTTGACCCTGTGAGCAAAGGCTTTTTCT-3'
Protein context (NP_000247.2, residues 139-159): SAALNGPTPG[Ala149Asp]PDDPIGLFVM

ClinVar aggregate classification (germline): Conflicting classifications of pathogenicity. Review status: criteria provided, conflicting classifications (1 of 4 stars). 5 submissions from 5 submitters: Uncertain significance (4); Likely benign (1). Last evaluated 2026-04-23.

Conditions:
MYBPC3-related disorder. Also called: MYBPC3-related condition; MYBPC3-related disease; MYBPC3-related disorders.
Cardiovascular phenotype. Identifiers: MedGen CN230736.
Cardiomyopathy (CMYO). Also called: Cardiomyopathies. Identifiers: Orphanet 167848, MedGen C0878544, MONDO:0004994, HP:0001638. Inheritance: Various modes of inheritance.
Hypertrophic cardiomyopathy. Also called: HYPERTROPHIC MYOCARDIOPATHY. Identifiers: Orphanet 217569, MedGen C0007194, MeSH D002312, MONDO:0005045, HP:0001639.

Allele frequency attached by ClinVar (database versions not stated): ExAC 0.00004.
gnomAD v4.1: 5 of 1,561,962 alleles (0.00032%); highest among the groups gnomAD compares: Admixed American, 0.0019%; no homozygotes.

Submissions (5):

PreventionGenetics, part of Exact Sciences
Classification: Uncertain significance for MYBPC3-related condition. Last evaluated: 2026-04-23. Review status: criteria provided, single submitter. Criteria: ACMG Guidelines, 2015. Collection method: clinical testing. Allele origin: germline.
Comment: The MYBPC3 c.446C>A variant is predicted to result in the amino acid substitution p.Ala149Asp. To our knowledge, this variant has not been reported in the literature. This variant is reported in 0.0043% of alleles in individuals of South Asian descent in gnomAD. At this time, the clinical significance of this variant is uncertain due to the absence of conclusive functional and genetic evidence.

Color Diagnostics, LLC DBA Color Health
Classification: Uncertain significance for Cardiomyopathy. Last evaluated: 2025-09-15. Review status: criteria provided, single submitter. Criteria: ACMG Guidelines, 2015. Collection method: clinical testing. Allele origin: germline.
Comment: This missense variant replaces alanine with aspartic acid at codon 149 of the MYBPC3 protein. Computational prediction suggests that this variant may not impact protein structure and function. To our knowledge, functional studies have not been reported for this variant. This variant has been reported in an individual affected with hypertrophic cardiomyopathy (PMID: 28214152). This variant has also been reported in an individual affected with sudden cardiac arrest, who also carried a pathogenic variant in the SCN5A gene (PMID: 28327871). This variant has been identified in 2/201876 chromosomes in the general population by the Genome Aggregation Database (gnomAD). The available evidence is insufficient to determine the role of this variant in disease conclusively. Therefore, this variant is classified as a Variant of Uncertain Significance.

Labcorp Genetics (formerly Invitae), Labcorp
Classification: Uncertain significance for Hypertrophic cardiomyopathy. Last evaluated: 2025-06-30. Review status: criteria provided, single submitter. Criteria: Invitae Variant Classification Sherloc (09022015). Collection method: clinical testing. Allele origin: germline.
Comment: This sequence change replaces alanine, which is neutral and non-polar, with aspartic acid, which is acidic and polar, at codon 149 of the MYBPC3 protein (p.Ala149Asp). The frequency data for this variant in the population databases is considered unreliable, as metrics indicate poor data quality at this position in the gnomAD database. This missense change has been observed in individual(s) with hypertrophic cardiomyopathy and/or sudden cardiac arrest (PMID: 28214152, 28327871). ClinVar contains an entry for this variant (Variation ID: 1460702). An algorithm developed to predict the effect of missense changes on protein structure and function (PolyPhen-2) suggests that this variant is likely to be tolerated. In summary, the available evidence is currently insufficient to determine the role of this variant in disease. Therefore, it has been classified as a Variant of Uncertain Significance.

Ambry Genetics
Classification: Likely benign for Cardiovascular phenotype. Last evaluated: 2024-01-09. Review status: criteria provided, single submitter. Criteria: Ambry Variant Classification Scheme 2023. Collection method: clinical testing. Allele origin: germline.

All of Us Research Program, National Institutes of Health
Classification: Uncertain significance for Hypertrophic cardiomyopathy. Last evaluated: 2023-11-30. Review status: criteria provided, single submitter. Criteria: ACMG Guidelines, 2015. Collection method: clinical testing. Allele origin: germline. Inheritance: Autosomal dominant inheritance. Observed: 2 variant alleles, 2 heterozygotes.
Comment: This missense variant replaces alanine with aspartic acid at codon 149 of the MYBPC3 protein. Computational prediction suggests that this variant may not impact protein structure and function (internally defined REVEL score threshold <= 0.5, PMID: 27666373). To our knowledge, functional studies have not been reported for this variant. This variant has been reported in an individual affected with hypertrophic cardiomyopathy (PMID: 28214152). This variant has also been reported in an individual affected with sudden cardiac arrest; this individual also carried a pathogenic variant in the SCN5A gene (PMID: 28327871). This variant has been identified in 2/201876 chromosomes in the general population by the Genome Aggregation Database (gnomAD). The available evidence is insufficient to determine the role of this variant in disease conclusively. Therefore, this variant is classified as a Variant of Uncertain Significance.

This study involves interpretation of variants in research participants for the purpose of population health screening. Participant phenotype was not available at the time of variant classification. Additional details can be found in publication PMID: 35346344, PMCID: PMC8962531

Literature cited by the submitters: PubMed 28214152 (cited by 4 submitters); PubMed 28327871 (cited by 3 submitters).